The following is an entry in ClinVar:

ClinVar aggregate classification (germline): Uncertain significance (1 of 4 stars; one submission).

Conditions:
Spondyloepimetaphyseal dysplasia with joint laxity (SEMDJL). Identifiers: MedGen C0432243, MONDO:0019675.
Ehlers-Danlos syndrome, spondylodysplastic type, 2 (EDSSPD2). Also called: Ehlers-Danlos syndrome, progeroid type, 2. Identifiers: Orphanet 536467, Orphanet 75496, MedGen C3809210, MONDO:0014139, OMIM 615349.

gnomAD v4.1: 1 of 1,550,468 alleles (0.000064%); highest among the groups gnomAD compares: Non-Finnish European, 0.000087%; no homozygotes.

Submission:

Labcorp Genetics (formerly Invitae), Labcorp
Classification: Uncertain significance for Ehlers-Danlos syndrome, spondylodysplastic type, 2; Spondyloepimetaphyseal dysplasia with joint laxity. Last evaluated: 2022-06-09. Review status: criteria provided, single submitter. Criteria: Invitae Variant Classification Sherloc (09022015). Collection method: clinical testing. Allele origin: germline.
Comment: This sequence change replaces glutamine, which is neutral and polar, with glutamic acid, which is acidic and polar, at codon 255 of the B3GALT6 protein (p.Gln255Glu). In summary, the available evidence is currently insufficient to determine the role of this variant in disease. Therefore, it has been classified as a Variant of Uncertain Significance. Algorithms developed to predict the effect of missense changes on protein structure and function (SIFT, PolyPhen-2, Align-GVGD) all suggest that this variant is likely to be tolerated. This variant has not been reported in the literature in individuals affected with B3GALT6-related conditions. This variant is not present in population databases (gnomAD no frequency).

NM_080605.4(B3GALT6):c.763C>G (p.Gln255Glu)

Gene: B3GALT6 (beta-1,3-galactosyltransferase 6; plus strand). Cytogenetic location: 1p36.33.
Variant type: single nucleotide variant.
Coding change: c.763C>G on transcript NM_080605.4 (MANE Select); coding-DNA position 763, C replaced by G.
Protein change: p.Gln255Glu; replaces glutamine 255 with glutamic acid.
Molecular consequence: missense variant.
Genome position (GRCh38, 1-based): chr1:1,233,041, C>G. VCF-style: chr1-1233041-C-G. GRCh37 (hg19) VCF-style: chr1-1168421-C-G.
Other names: short protein forms Q255E.
Identifiers: ClinVar variation 2004133 (VCV002004133.4), dbSNP rs1239366051, ClinGen allele CA337829246.